The following is an entry in ClinVar:

NM_007144.3(PCGF2):c.325_326delinsAT (p.Gly109Ile)

Gene: PCGF2 (polycomb group ring finger 2; minus strand). Cytogenetic location: 17q12.
Variant type: Indel.
Coding change: c.325_326delinsAT on transcript NM_007144.3 (MANE Select); coding-DNA positions 325 to 326, GG replaced by AT.
Protein change: p.Gly109Ile; replaces glycine 109 with isoleucine.
Molecular consequence: missense variant.
Genome position (GRCh38, 1-based): chr17:38,738,852-38,738,853, CC replaced by AT on the plus strand (GG replaced by AT on the coding strand, the reverse complement: PCGF2 is on the minus strand). VCF-style: chr17-38738852-CC-AT. GRCh37 (hg19) VCF-style: chr17-36895105-CC-AT.
Other names: c.325_326delinsAT, p.Gly109Ile (NM_001369614.1, NM_001369615.1); short protein forms G109I.
Identifiers: ClinVar variation 3627242 (VCV003627242.2).
Genomic context (GRCh38, chr17:38,738,852, plus strand): 5'-TCATCATCACTCAGAGCCCCCTTCTCCTGCTCCAAGACCTCGCCGCGGTCCTCATTGGAG[CC>AT]GTTGGGGACTGCAGAAGGAAAGAGCTCTCGGGTTGGCGGAGGATGTAGGAAGGGAGCCCG-3'
Protein context (NP_009075.1, residues 99-119): AAYPLTEVPN[Gly109Ile]SNEDRGEVLE

ClinVar aggregate classification (germline): Uncertain significance (1 of 4 stars; one submission).

Submission:

Labcorp Genetics (formerly Invitae), Labcorp
Classification: Uncertain significance. Last evaluated: 2024-07-25. Review status: criteria provided, single submitter. Criteria: Invitae Variant Classification Sherloc (09022015). Collection method: clinical testing. Allele origin: germline.
Comment: This sequence change replaces glycine, which is neutral and non-polar, with isoleucine, which is neutral and non-polar, at codon 109 of the PCGF2 protein (p.Gly109Ile). This variant is present in population databases (no rsID available, gnomAD 0.0007%). This variant has not been reported in the literature in individuals affected with PCGF2-related conditions. An algorithm developed to predict the effect of missense changes on protein structure and function (PolyPhen-2) suggests that this variant is likely to be tolerated. In summary, the available evidence is currently insufficient to determine the role of this variant in disease. Therefore, it has been classified as a Variant of Uncertain Significance.